The following is an entry in ClinVar:

NM_001267550.2(TTN):c.106004A>G (p.His35335Arg)

Genes: TTN (titin; minus strand), TTN-AS1 (TTN antisense RNA 1; plus strand), LOC129935182 (ATAC-STARR-seq lymphoblastoid active region 16807; plus strand). Cytogenetic location: 2q31.2.
Variant type: single nucleotide variant.
Coding change: c.106004A>G on transcript NM_001267550.2 (MANE Select); coding-DNA position 106004, A replaced by G.
Protein change: p.His35335Arg; replaces histidine 35335 with arginine.
Molecular consequence: missense variant.
Genome position (GRCh38, 1-based): chr2:178,530,611, T>C on the plus strand (A>G on the coding strand, the complement: TTN is on the minus strand). VCF-style: chr2-178530611-T-C. GRCh37 (hg19) VCF-style: chr2-179395338-T-C.
Other names: c.101081A>G, p.His33694Arg (NM_001256850.1); c.78809A>G, p.His26270Arg (NM_003319.4); c.98300A>G, p.His32767Arg (NM_133378.4); c.79184A>G, p.His26395Arg (NM_133432.3); c.79385A>G, p.His26462Arg (NM_133437.4); short protein forms H26395R, H26462R, H32767R, H35335R, H26270R, H33694R.
Identifiers: ClinVar variation 4793618 (VCV004793618.1).

ClinVar aggregate classification (germline): Uncertain significance (1 of 4 stars; one submission).

Conditions:
Autosomal recessive limb-girdle muscular dystrophy type 2J (LGMDR10). Also called: MUSCULAR DYSTROPHY, LIMB-GIRDLE, AUTOSOMAL RECESSIVE 10; Limb-girdle muscular dystrophy, type 2J. Identifiers: Orphanet 140922, MedGen C1837342, MONDO:0012127, OMIM 608807.
Dilated cardiomyopathy 1G (CMD1G). Identifiers: Orphanet 154, MedGen C1858763, MONDO:0011400, OMIM 604145.

gnomAD v4.1: 6 of 1,613,930 alleles (0.00037%); highest among the groups gnomAD compares: East Asian, 0.011%; no homozygotes.

Submission:

Labcorp Genetics (formerly Invitae), Labcorp
Classification: Uncertain significance for Dilated cardiomyopathy 1G; Autosomal recessive limb-girdle muscular dystrophy type 2J. Last evaluated: 2025-11-13. Review status: criteria provided, single submitter. Criteria: Invitae Variant Classification Sherloc (09022015). Collection method: clinical testing. Allele origin: germline.
Comment: This sequence change replaces histidine, which is basic and polar, with arginine, which is basic and polar, at codon 35335 of the TTN protein (p.His35335Arg). This variant is present in population databases (rs760807951, gnomAD 0.01%). This variant has not been reported in the literature in individuals affected with TTN-related conditions. Experimental studies and prediction algorithms are not available or were not evaluated, and the functional significance of this variant is currently unknown. This variant is located in the M band of TTN (PMID: 25589632). Non-truncating variants in this region may be relevant for neuromuscular disorders, but have not been definitively shown to cause cardiomyopathy (PMID: 23975875). In summary, the available evidence is currently insufficient to determine the role of this variant in disease. Therefore, it has been classified as a Variant of Uncertain Significance.

Literature cited by the submitters: PubMed 25589632; PubMed 23975875.